The following is an entry in ClinVar:

NM_004006.3(DMD):c.8390G>A (p.Arg2797Lys)

Gene: DMD (dystrophin; minus strand). Cytogenetic location: Xp21.1.
Variant type: single nucleotide variant.
Coding change: c.8390G>A on transcript NM_004006.3 (MANE Select); coding-DNA position 8390, G replaced by A.
Protein change: p.Arg2797Lys; replaces arginine 2797 with lysine.
Molecular consequence: missense variant.
Genome position (GRCh38, 1-based): chrX:31,507,281, C>T on the plus strand (G>A on the coding strand, the complement: DMD is on the minus strand). VCF-style: chrX-31507281-C-T. GRCh37 (hg19) VCF-style: chrX-31525398-C-T.
Other names: c.8366G>A, p.Arg2789Lys (NM_000109.4); c.8378G>A, p.Arg2793Lys (NM_004009.3); c.8021G>A, p.Arg2674Lys (NM_004010.3); c.4367G>A, p.Arg1456Lys (NM_004011.4); c.4358G>A, p.Arg1453Lys (NM_004012.4); c.1010G>A, p.Arg337Lys (NM_004013.3, NM_004020.4, NM_004021.3 and 2 more transcripts); c.203G>A, p.Arg68Lys (NM_004014.3); short protein forms R2674K, R2793K, R337K, R1456K, R2789K, R1453K, R2797K, R68K.
Identifiers: ClinVar variation 642578 (VCV000642578.10), dbSNP rs1603280511, ClinGen allele CA412656067.

ClinVar aggregate classification (germline): Likely pathogenic. Review status: criteria provided, multiple submitters, no conflicts (2 of 4 stars). 2 submissions from 2 submitters: Likely pathogenic (2). Last evaluated 2023-05-24.

Conditions:
Duchenne muscular dystrophy (DMD). Also called: MUSCULAR DYSTROPHY, PSEUDOHYPERTROPHIC PROGRESSIVE, DUCHENNE TYPE; Duchenne Muscular Dystrophy (DMD). Identifiers: Orphanet 98896, MedGen C0013264, MONDO:0010679, OMIM 310200.

Submissions (2):

GeneDx
Classification: Likely pathogenic. Last evaluated: 2023-05-24. Review status: criteria provided, single submitter. Criteria: GeneDx Variant Classification Process June 2021. Collection method: clinical testing. Allele origin: germline. Affected: yes.
Comment: Not observed at significant frequency in large population cohorts (gnomAD); Alters the last nucleotide of the exon and is predicted to destroy the splice donor site and result in aberrant splicing, although in the absence of functional evidence the actual effect of this sequence change is unknown; This variant is associated with the following publications: (PMID: 22776072, 29973226)

Labcorp Genetics (formerly Invitae), Labcorp
Classification: Likely pathogenic for Duchenne muscular dystrophy. Last evaluated: 2021-01-25. Review status: criteria provided, single submitter. Criteria: Invitae Variant Classification Sherloc (09022015). Collection method: clinical testing. Allele origin: germline.
Comment: This sequence change replaces arginine with lysine at codon 2797 of the DMD protein (p.Arg2797Lys). The arginine residue is highly conserved and there is a small physicochemical difference between arginine and lysine. This variant also falls at the last nucleotide of exon 56 of the DMD coding sequence, which is part of the consensus splice site for this exon. This variant is not present in population databases (ExAC no frequency). This variant has been observed in individual(s) with Duchenne or Becker muscular dystrophy (PMID: 22776072, 29973226). Algorithms developed to predict the effect of missense changes on protein structure and function are either unavailable or do not agree on the potential impact of this missense change (SIFT: "Deleterious"; PolyPhen-2: "Benign"; Align-GVGD: "Class C25"). Nucleotide substitutions within the consensus splice site are a relatively common cause of aberrant splicing (PMID: 17576681, 9536098). Algorithms developed to predict the effect of sequence changes on RNA splicing suggest that this variant may disrupt the consensus splice site, but this prediction has not been confirmed by published transcriptional studies. This variant disrupts the c.8390G nucleotide in the DMD gene. Other variant(s) that disrupt this nucleotide have been determined to be pathogenic (PMID: 11524473, 19937601). This suggests that this nucleotide is clinically significant, and that variants that disrupt this position are likely to be disease-causing. In summary, the currently available evidence indicates that the variant is pathogenic, but additional data are needed to prove that conclusively. Therefore, this variant has been classified as Likely Pathogenic.

Literature cited by the submitters: PubMed 22776072 (cited by Labcorp Genetics (formerly Invitae), Labcorp); PubMed 29973226 (cited by Labcorp Genetics (formerly Invitae), Labcorp); PubMed 17576681 (cited by Labcorp Genetics (formerly Invitae), Labcorp); PubMed 9536098 (cited by Labcorp Genetics (formerly Invitae), Labcorp); PubMed 11524473 (cited by Labcorp Genetics (formerly Invitae), Labcorp); PubMed 19937601 (cited by Labcorp Genetics (formerly Invitae), Labcorp).